The following is an entry in ClinVar:

NM_138691.3(TMC1):c.766T>C (p.Phe256Leu)

Gene: TMC1 (transmembrane channel like 1; plus strand). Cytogenetic location: 9q21.13.
Variant type: single nucleotide variant.
Coding change: c.766T>C on transcript NM_138691.3 (MANE Select); coding-DNA position 766, T replaced by C.
Protein change: p.Phe256Leu; replaces phenylalanine 256 with leucine.
Molecular consequence: missense variant.
Genome position (GRCh38, 1-based): chr9:72,772,437, T>C. VCF-style: chr9-72772437-T-C. GRCh37 (hg19) VCF-style: chr9-75387353-T-C.
Other names: short protein forms F256L.
Identifiers: ClinVar variation 3382876 (VCV003382876.2).

ClinVar aggregate classification (germline): Uncertain significance (1 of 4 stars; one submission).

Conditions:
Autosomal recessive nonsyndromic hearing loss 7. Also called: DEAFNESS, AUTOSOMAL RECESSIVE 11. Identifiers: Orphanet 90636, MedGen C1832978, MONDO:0010967, OMIM 600974.
Autosomal dominant nonsyndromic hearing loss 36. Identifiers: Orphanet 90635, MedGen C1847626, MONDO:0011708, OMIM 606705.

Submission:

Juno Genomics, Hangzhou Juno Genomics, Inc
Classification: Uncertain significance for Autosomal dominant nonsyndromic hearing loss 36; Autosomal recessive nonsyndromic hearing loss 7. Review status: criteria provided, single submitter. Criteria: ACMG Guidelines, 2015. Collection method: clinical testing. Allele origin: germline. Affected: yes.
Comment: Absent from controls (or at extremely low frequency if recessive) in Genome Aggregation Database, Exome Sequencing Project, 1000 Genomes Project, or Exome Aggregation Consortium.